The following is an entry in ClinVar:

NM_000051.4(ATM):c.299T>C (p.Leu100Ser)

Gene: ATM (ATM serine/threonine kinase; plus strand). Cytogenetic location: 11q22.3.
Variant type: single nucleotide variant.
Coding change: c.299T>C on transcript NM_000051.4 (MANE Select); coding-DNA position 299, T replaced by C.
Protein change: p.Leu100Ser; replaces leucine 100 with serine.
Molecular consequence: missense variant.
Genome position (GRCh38, 1-based): chr11:108,229,291, T>C. VCF-style: chr11-108229291-T-C. GRCh37 (hg19) VCF-style: chr11-108100018-T-C.
Other names: c.299T>C, p.Leu100Ser (NM_001351834.2, NM_001351835.2, NM_001351836.2); short protein forms L100S.
Identifiers: ClinVar variation 1798623 (VCV001798623.2), dbSNP rs761936549, ClinGen allele CA6264548.

ClinVar aggregate classification (germline): Uncertain significance. Review status: criteria provided, multiple submitters, no conflicts (2 of 4 stars). 2 submissions from 2 submitters: Uncertain significance (2). Last evaluated 2025-06-14.

Conditions:
Hereditary cancer-predisposing syndrome. Also called: Neoplastic Syndromes, Hereditary; Tumor predisposition; Hereditary neoplastic syndrome; Hereditary Cancer Syndrome. Identifiers: Orphanet 140162, MedGen C0027672, MeSH D009386, MONDO:0015356.
Ataxia-telangiectasia syndrome (AT). Also called: Ataxia-telangiectasia, complementation group D; AT, COMPLEMENTATION GROUP C; ATAXIA-TELANGIECTASIA, COMPLEMENTATION GROUP A; ATAXIA-TELANGIECTASIA, FRESNO VARIANT; Ataxia-telangiectasia; LOUIS-BAR SYNDROME. Identifiers: Orphanet 100, MedGen C0004135, MONDO:0008840, OMIM 208900.

Allele frequency attached by ClinVar (database versions not stated): gnomAD exomes below 0.00001; ExAC 0.00001.
gnomAD v4.1: 1 of 1,613,506 alleles (0.000062%); highest among the groups gnomAD compares: South Asian, 0.0011%; no homozygotes.

Submissions (2):

Labcorp Genetics (formerly Invitae), Labcorp
Classification: Uncertain significance for Ataxia-telangiectasia syndrome. Last evaluated: 2025-06-14. Review status: criteria provided, single submitter. Criteria: Invitae Variant Classification Sherloc (09022015). Collection method: clinical testing. Allele origin: germline.
Comment: This sequence change replaces leucine, which is neutral and non-polar, with serine, which is neutral and polar, at codon 100 of the ATM protein (p.Leu100Ser). This variant is present in population databases (rs761936549, gnomAD 0.003%). This variant has not been reported in the literature in individuals affected with ATM-related conditions. ClinVar contains an entry for this variant (Variation ID: 1798623). Invitae Evidence Modeling of protein sequence and biophysical properties (such as structural, functional, and spatial information, amino acid conservation, physicochemical variation, residue mobility, and thermodynamic stability) has been performed for this missense variant. However, the output from this modeling did not meet the statistical confidence thresholds required to predict the impact of this variant on ATM protein function. In summary, the available evidence is currently insufficient to determine the role of this variant in disease. Therefore, it has been classified as a Variant of Uncertain Significance.

Ambry Genetics
Classification: Uncertain significance for Hereditary cancer-predisposing syndrome. Last evaluated: 2022-04-05. Review status: criteria provided, single submitter. Criteria: Ambry Variant Classification Scheme 2023. Collection method: clinical testing. Allele origin: germline.
Comment: The p.L100S variant (also known as c.299T>C), located in coding exon 3 of the ATM gene, results from a T to C substitution at nucleotide position 299. The leucine at codon 100 is replaced by serine, an amino acid with dissimilar properties. This amino acid position is conserved. In addition, the in silico prediction for this alteration is inconclusive. Since supporting evidence is limited at this time, the clinical significance of this alteration remains unclear.